The following is an entry in ClinVar:

NM_000051.4(ATM):c.2775del (p.Lys926fs)

Gene: ATM (ATM serine/threonine kinase; plus strand). Cytogenetic location: 11q22.3.
Variant type: Deletion.
Coding change: c.2775del on transcript NM_000051.4 (MANE Select); coding-DNA position 2775, one base deleted (G; older notation c.2775delG).
Protein change: p.Lys926fs; shifts the reading frame from lysine 926.
Molecular consequence: frameshift variant.
Genome position (GRCh38, 1-based): chr11:108,268,546, G deleted; the last of 2 consecutive G bases (chr11:108,268,545-108,268,546); deleting either gives the same sequence. VCF-style (leftmost placement, unchanged base first): chr11-108268544-AG-A. GRCh37 (hg19) VCF-style: chr11-108139271-AG-A.
Other names: c.2775del, p.Lys926fs (NM_001351834.2); c.2775delG (NM_000051.3); short protein forms K926fs.
Identifiers: ClinVar variation 407722 (VCV000407722.7), dbSNP rs1060501702, ClinGen allele CA16613110.

ClinVar aggregate classification (germline): Pathogenic. Review status: criteria provided, multiple submitters, no conflicts (2 of 4 stars). 2 submissions from 2 submitters: Pathogenic (2). Last evaluated 2026-01-11.

Conditions:
Familial cancer of breast. Also called: Hereditary breast cancer; hereditary breast carcinoma; BREAST CANCER, FAMILIAL. Identifiers: Orphanet 227535, MedGen C0346153, MONDO:0016419, OMIM 114480. Disease mechanism: loss of function.
Ataxia-telangiectasia syndrome (AT). Also called: Ataxia telangiectasia (A-T); LOUIS-BAR SYNDROME; Cerebello-oculocutaneous telangiectasia; Immunodeficiency with ataxia telangiectasia; Ataxia-telangiectasia, complementation group D; AT, COMPLEMENTATION GROUP C. Identifiers: Orphanet 100, MedGen C0004135, MONDO:0008840, OMIM 208900.

Submissions (2):

Labcorp Genetics (formerly Invitae), Labcorp
Classification: Pathogenic for Ataxia-telangiectasia syndrome. Last evaluated: 2026-01-11. Review status: criteria provided, single submitter. Criteria: Invitae Variant Classification Sherloc (09022015). Collection method: clinical testing. Allele origin: germline.
Comment: This sequence change creates a premature translational stop signal (p.Lys926Asnfs*3) in the ATM gene. It is expected to result in an absent or disrupted protein product. Loss-of-function variants in ATM are known to be pathogenic (PMID: 23807571, 25614872). This variant is not present in population databases (gnomAD no frequency). This variant has not been reported in the literature in individuals affected with ATM-related conditions. ClinVar contains an entry for this variant (Variation ID: 407722). RNA analysis performed to evaluate the impact of this premature translational stop signal on mRNA splicing indicates it does not significantly alter splicing (internal data). For these reasons, this variant has been classified as Pathogenic.

Myriad Genetics, Inc.
Classification: Pathogenic for Familial cancer of breast. Last evaluated: 2024-01-18. Review status: criteria provided, single submitter. Criteria: Myriad Autosomal Dominant, Autosomal Recessive and X-Linked Classification Criteria (2023). Collection method: clinical testing. Allele origin: unknown.
Comment: This variant is considered pathogenic. This variant creates a frameshift predicted to result in premature protein truncation.

Literature cited by the submitters: PubMed 23807571 (cited by Labcorp Genetics (formerly Invitae), Labcorp); PubMed 25614872 (cited by Labcorp Genetics (formerly Invitae), Labcorp).